The following is an entry in ClinVar:

ClinVar aggregate classification (germline): Pathogenic. Review status: criteria provided, multiple submitters, no conflicts (2 of 4 stars). 3 submissions from 3 submitters: Pathogenic (3). Last evaluated 2024-03-20.

Conditions:
Spastic paraplegia. Identifiers: MedGen C0037772, HP:0001258.
Charlevoix-Saguenay spastic ataxia (SACS). Also called: Spastic ataxia of Charlevoix-Saguenay; SPASTIC ATAXIA 6, AUTOSOMAL RECESSIVE; AUTOSOMAL RECESSIVE SPASTIC ATAXIA OF CHARLEVOIX-SAGUENAY. Identifiers: Orphanet 98, MedGen C1849140, MONDO:0010041, OMIM 270550.

Allele frequency attached by ClinVar (database versions not stated): gnomAD exomes below 0.00001.
gnomAD v4.1: 1 of 1,613,864 alleles (0.000062%); highest among the groups gnomAD compares: Middle Eastern, 0.016%; no homozygotes.

Submissions (3):

Centre for Inherited Metabolic Diseases, Karolinska University Hospital
Classification: Pathogenic for Charlevoix-Saguenay spastic ataxia. Last evaluated: 2024-03-20. Review status: criteria provided, single submitter. Criteria: ACMG Guidelines, 2015. Collection method: clinical testing. Allele origin: inherited. Inheritance: Autosomal recessive inheritance. Affected: yes. Observed: 1 compound heterozygote.

Labcorp Genetics (formerly Invitae), Labcorp
Classification: Pathogenic for Spastic paraplegia. Last evaluated: 2023-08-25. Review status: criteria provided, single submitter. Criteria: Invitae Variant Classification Sherloc (09022015). Collection method: clinical testing. Allele origin: germline.
Comment: For these reasons, this variant has been classified as Pathogenic. This variant disrupts a region of the SACS protein in which other variant(s) (p.Asn4549Asp) have been determined to be pathogenic (PMID: 15156359, 21507954). This suggests that this is a clinically significant region of the protein, and that variants that disrupt it are likely to be disease-causing. ClinVar contains an entry for this variant (Variation ID: 1098923). This variant has not been reported in the literature in individuals affected with SACS-related conditions. This variant is not present in population databases (gnomAD no frequency). This sequence change creates a premature translational stop signal (p.Ser3289*) in the SACS gene. While this is not anticipated to result in nonsense mediated decay, it is expected to disrupt the last 1291 amino acid(s) of the SACS protein.

Medical Genetics Laboratory, Tarbiat Modares University
Classification: Pathogenic for Charlevoix-Saguenay spastic ataxia. Last evaluated: 2021-05-03. Review status: criteria provided, single submitter. Criteria: ACMG Guidelines, 2015. Collection method: clinical testing. Allele origin: inherited. Inheritance: Autosomal recessive inheritance. Affected: yes. Observed: 1 variant allele, 1 homozygote.

Literature cited by the submitters: PubMed 15156359 (cited by Labcorp Genetics (formerly Invitae), Labcorp); PubMed 21507954 (cited by Labcorp Genetics (formerly Invitae), Labcorp).

NM_014363.6(SACS):c.9866C>G (p.Ser3289Ter)

Gene: SACS (sacsin molecular chaperone; minus strand). Cytogenetic location: 13q12.12.
Variant type: single nucleotide variant.
Coding change: c.9866C>G on transcript NM_014363.6 (MANE Select); coding-DNA position 9866, C replaced by G.
Protein change: p.Ser3289Ter; replaces serine 3289 with a stop codon.
Molecular consequence: nonsense.
Genome position (GRCh38, 1-based): chr13:23,334,010, G>C on the plus strand (C>G on the coding strand, the complement: SACS is on the minus strand). VCF-style: chr13-23334010-G-C. GRCh37 (hg19) VCF-style: chr13-23908149-G-C.
Other names: c.9866C>G (NM_014363.5); c.9425C>G, p.Ser3142Ter (NM_001278055.2); short protein forms S3142*, S3289*.
Identifiers: ClinVar variation 1098923 (VCV001098923.7), dbSNP rs2137580127, ClinGen allele CA387513481.
Genomic context (GRCh38, chr13:23,334,010, plus strand): 5'-ATGTGCATAAGGCTGAGAGGAAGCAGAACATCTCCTTCAGGAACCACAAGCTGGTTGGCT[G>C]AAACAGTAAACTTTGTTCCTGGAAGCAATGCCCAGTCTTTTAGAGTATCAACAACAATGT-3'